The following is an entry in ClinVar:

NM_015378.4(VPS13D):c.3637A>G (p.Met1213Val)

Gene: VPS13D (vacuolar protein sorting 13 homolog D; plus strand). Cytogenetic location: 1p36.22.
Variant type: single nucleotide variant.
Coding change: c.3637A>G on transcript NM_015378.4 (MANE Select); coding-DNA position 3637, A replaced by G.
Protein change: p.Met1213Val; replaces methionine 1213 with valine.
Molecular consequence: missense variant.
Genome position (GRCh38, 1-based): chr1:12,277,225, A>G. VCF-style: chr1-12277225-A-G. GRCh37 (hg19) VCF-style: chr1-12337282-A-G.
Other names: c.3637A>G, p.Met1213Val (NM_018156.4); short protein forms M1213V.
Identifiers: ClinVar variation 4533996 (VCV004533996.6).

ClinVar aggregate classification (germline): Uncertain significance (1 of 4 stars; one submission).

Submission:

CeGaT Center for Human Genetics Tuebingen
Classification: Uncertain significance. Last evaluated: 2025-11-01. Review status: criteria provided, single submitter. Criteria: CeGaT Center For Human Genetics Tuebingen Variant Classification Criteria Version 2. Collection method: clinical testing. Allele origin: germline. Affected: yes. Observed: 1 variant allele.
Comment: VPS13D: PM2, BP4